The following is an entry in ClinVar:

ClinVar aggregate classification (germline): Uncertain significance (1 of 4 stars; one submission).

Conditions:
Emery-Dreifuss muscular dystrophy 4, autosomal dominant (EDMD4). Also called: EMERY-DREIFUSS MUSCULAR DYSTROPHY 4 WITH VARIABLE FEATURES. Identifiers: Orphanet 261, MedGen C2751807, MONDO:0013071, OMIM 612998.
Autosomal recessive ataxia, Beauce type. Also called: SYNE1-Related Autosomal Recessive Cerebellar Ataxia; Spinocerebellar ataxia, autosomal recessive 8; ATAXIA, RECESSIVE, OF BEAUCE; SYNE1 Deficiency. Identifiers: Orphanet 88644, MedGen C1853116, MONDO:0012549, OMIM 610743.

Allele frequency attached by ClinVar (database versions not stated): gnomAD exomes below 0.00001; TOPMed below 0.00001.
gnomAD v4.1: 1 of 1,614,168 alleles (0.000062%); highest among the groups gnomAD compares: Non-Finnish European, 0.000085%; no homozygotes.

Submission:

Labcorp Genetics (formerly Invitae), Labcorp
Classification: Uncertain significance for Emery-Dreifuss muscular dystrophy 4, autosomal dominant; Autosomal recessive ataxia, Beauce type. Last evaluated: 2017-07-31. Review status: criteria provided, single submitter. Criteria: Invitae Variant Classification Sherloc (09022015). Collection method: clinical testing. Allele origin: germline.
Comment: Algorithms developed to predict the effect of missense changes on protein structure and function output the following: SIFT: "Tolerated"; PolyPhen-2: "Benign"; Align-GVGD: "Class C0". The valine amino acid residue is found in multiple mammalian species, suggesting that this missense change does not adversely affect protein function. These predictions have not been confirmed by published functional studies and their clinical significance is uncertain. This variant has not been reported in the literature in individuals with SYNE1-related disease. This variant is not present in population databases (ExAC no frequency). This sequence change replaces methionine with valine at codon 2335 of the SYNE1 protein (p.Met2335Val). The methionine residue is moderately conserved and there is a small physicochemical difference between methionine and valine. In summary, the available evidence is currently insufficient to determine the role of this variant in disease. Therefore, it has been classified as a Variant of Uncertain Significance.

NM_182961.4(SYNE1):c.6982A>G (p.Met2328Val)

Gene: SYNE1 (spectrin repeat containing nuclear envelope protein 1; minus strand). Cytogenetic location: 6q25.2.
Variant type: single nucleotide variant.
Coding change: c.6982A>G on transcript NM_182961.4 (MANE Select); coding-DNA position 6982, A replaced by G.
Protein change: p.Met2328Val; replaces methionine 2328 with valine.
Molecular consequence: missense variant.
Genome position (GRCh38, 1-based): chr6:152,401,185, T>C on the plus strand (A>G on the coding strand, the complement: SYNE1 is on the minus strand). VCF-style: chr6-152401185-T-C. GRCh37 (hg19) VCF-style: chr6-152722320-T-C.
Other names: c.7003A>G, p.Met2335Val (NM_033071.5); short protein forms M2335V, M2328V.
Identifiers: ClinVar variation 471055 (VCV000471055.8), dbSNP rs1250755900, ClinGen allele CA366119460.
Genomic context (GRCh38, chr6:152,401,185, plus strand): 5'-GTTTATTACCTACCTTGACTTTTTTCAATGCTTCACAAGTCTCATTTTGGGCACAGTTCA[T>C]CAACGATTCTTCCACTTTTGTGAACCATGTTGTTATGTCATTAATAAACTTCTCCACTTG-3'
Protein context (NP_892006.3, residues 2318-2338): TWFTKVEESL[Met2328Val]NCAQNETCEA